The following is an entry in ClinVar:

NM_020750.3(XPO5):c.2900G>A (p.Arg967Gln)

Genes: POLR1C (RNA polymerase I and III subunit C; plus strand), XPO5 (exportin 5; minus strand). Cytogenetic location: 6p21.1.
Variant type: single nucleotide variant.
Coding change: c.2900G>A on transcript NM_020750.3 (MANE Select); coding-DNA position 2900, G replaced by A.
Protein change: p.Arg967Gln; replaces arginine 967 with glutamine.
Molecular consequence: missense variant. On other transcripts: non-coding transcript variant (1), intron variant (2).
Genome position (GRCh38, 1-based): chr6:43,527,654, C>T on the plus strand (G>A on the coding strand, the complement: XPO5 is on the minus strand). VCF-style: chr6-43527654-C-T. GRCh37 (hg19) VCF-style: chr6-43495392-C-T.
Other names: c.922+6606C>T (NM_001363658.2); c.923-1595C>T (NM_001318876.2); short protein forms R967Q.
Identifiers: ClinVar variation 2250661 (VCV002250661.4), dbSNP rs767954093, ClinGen allele CA3825961.
Genomic context (GRCh38, chr6:43,527,654, plus strand): 5'-GGAAAATCCTCTATAGCCCCAGTTTCGACATGCCACTTACTGATTAGGTCCATGACTTCT[C>T]GGGTTAACATCCTCACCAGTTGCTCCTCCAGCATCTCTTGAGACTCTGGGTTTTCATCTG-3'
Protein context (NP_065801.1, residues 957-977): LEEQLVRMLT[Arg967Gln]EVMDLITVCC

ClinVar aggregate classification (germline): Uncertain significance. Review status: criteria provided, multiple submitters, no conflicts (2 of 4 stars). 2 submissions from 2 submitters: Uncertain significance (2). Last evaluated 2024-07-24.

Allele frequency attached by ClinVar (database versions not stated): gnomAD exomes 0.00001; ExAC 0.00001; gnomAD 0.00002.
gnomAD v4.1: 8 of 1,613,858 alleles (0.0005%); no homozygotes.

Submissions (2):

Labcorp Genetics (formerly Invitae), Labcorp
Classification: Uncertain significance. Last evaluated: 2024-07-24. Review status: criteria provided, single submitter. Criteria: Invitae Variant Classification Sherloc (09022015). Collection method: clinical testing. Allele origin: germline.
Comment: This sequence change replaces arginine, which is basic and polar, with glutamine, which is neutral and polar, at codon 967 of the XPO5 protein (p.Arg967Gln). This variant is present in population databases (rs767954093, gnomAD 0.01%). This variant has not been reported in the literature in individuals affected with XPO5-related conditions. ClinVar contains an entry for this variant (Variation ID: 2250661). An algorithm developed to predict the effect of missense changes on protein structure and function (PolyPhen-2) suggests that this variant is likely to be disruptive. In summary, the available evidence is currently insufficient to determine the role of this variant in disease. Therefore, it has been classified as a Variant of Uncertain Significance.

Ambry Genetics
Classification: Uncertain significance. Last evaluated: 2021-09-16. Review status: criteria provided, single submitter. Criteria: Ambry Variant Classification Scheme 2023. Collection method: clinical testing. Allele origin: germline.